The following is an entry in ClinVar:

ClinVar aggregate classification (germline): Pathogenic (1 of 4 stars; one submission).

Conditions:
Osteogenesis imperfecta type I (OI1). Also called: Lobstein disease; OI, TYPE I; OSTEOGENESIS IMPERFECTA TARDA; OSTEOGENESIS IMPERFECTA WITH BLUE SCLERAE; Osteogenesis imperfecta type 1; Lobstein's Disease. Identifiers: Orphanet 216796, Orphanet 666, MedGen C0023931, MONDO:0008146, OMIM 166200. Disease mechanism: loss of function.
Ehlers-Danlos syndrome, classic type, 1 (EDSCL1). Also called: EDS I; EHLERS-DANLOS SYNDROME, GRAVIS TYPE; EHLERS-DANLOS SYNDROME, SEVERE CLASSIC TYPE; Ehlers-Danlos syndrome, type 1; Ehlers-Danlos Syndrome, Classic Type, COL5A1-Related. Identifiers: MedGen C0268335, MONDO:0019567, OMIM 130000.

Submission:

Labcorp Genetics (formerly Invitae), Labcorp
Classification: Pathogenic for Osteogenesis imperfecta type I; Ehlers-Danlos syndrome, classic type, 1. Last evaluated: 2023-04-12. Review status: criteria provided, single submitter. Criteria: Invitae Variant Classification Sherloc (09022015). Collection method: clinical testing. Allele origin: germline.
Comment: For these reasons, this variant has been classified as Pathogenic. Experimental studies and prediction algorithms are not available or were not evaluated, and the functional significance of this variant is currently unknown. This variant has been observed in individual(s) with osteogenesis imperfecta (PMID: 27509835, 30715774, 31447884, 32770541; Invitae). This variant is not present in population databases (gnomAD no frequency). This variant, c.2038_2055dup, results in the insertion of 6 amino acid(s) of the COL1A2 protein (p.Ala680_Gly685dup), but otherwise preserves the integrity of the reading frame.

Literature cited by the submitters: PubMed 27509835; PubMed 30715774; PubMed 31447884; PubMed 32770541.

NM_000089.4(COL1A2):c.2038_2055dup (p.Gly685_Pro686insAlaValGlyAlaProGly)

Gene: COL1A2 (collagen type I alpha 2 chain; plus strand). Cytogenetic location: 7q21.3.
Variant type: Duplication.
Coding change: c.2038_2055dup on transcript NM_000089.4 (MANE Select); coding-DNA positions 2038 to 2055, 18 bases duplicated (GCTGTAGGTGCCCCTGGT).
Protein change: p.Gly685_Pro686insAlaValGlyAlaProGly.
Molecular consequence: inframe insertion.
Genome position (GRCh38, 1-based): chr7:94,419,510-94,419,527, GCTGTAGGTGCCCCTGGT duplicated; duplicating any 18 consecutive bases within chr7:94,419,504-94,419,527 gives the same sequence; the c. name uses the placement nearest the transcript's 3' end. VCF-style (leftmost placement, unchanged base first): chr7-94419503-T-TCCTGGTGCTGTAGGTGCC. GRCh37 (hg19) VCF-style: chr7-94048815-T-TCCTGGTGCTGTAGGTGCC.
Identifiers: ClinVar variation 2946645 (VCV002946645.3), dbSNP rs2484723993, ClinGen allele CA2739290003.